The following is an entry in ClinVar:

NM_016222.4(DDX41):c.70G>A (p.Glu24Lys)

Gene: DDX41 (DEAD-box helicase 41; minus strand). Cytogenetic location: 5q35.3.
Variant type: single nucleotide variant.
Coding change: c.70G>A on transcript NM_016222.4 (MANE Select); coding-DNA position 70, G replaced by A.
Protein change: p.Glu24Lys; replaces glutamic acid 24 with lysine.
Molecular consequence: missense variant. On other transcripts: 5 prime UTR variant (2).
Genome position (GRCh38, 1-based): chr5:177,516,793, C>T on the plus strand (G>A on the coding strand, the complement: DDX41 is on the minus strand). VCF-style: chr5-177516793-C-T. GRCh37 (hg19) VCF-style: chr5-176943794-C-T.
Other names: c.-586G>A (NM_001321732.2); c.-378G>A (NM_001321830.2); short protein forms E24K.
Identifiers: ClinVar variation 4989995 (VCV004989995.1).

ClinVar aggregate classification (germline): Uncertain significance (1 of 4 stars; one submission).

Conditions:
DDX41-related disorder. Also called: DDX41-related condition.

Submission:

PreventionGenetics, part of Exact Sciences
Classification: Uncertain significance for DDX41-related condition. Last evaluated: 2025-01-31. Review status: criteria provided, single submitter. Criteria: ACMG Guidelines, 2015. Collection method: clinical testing. Allele origin: germline.
Comment: The DDX41 c.70G>A variant is predicted to result in the amino acid substitution p.Glu24Lys. To our knowledge, this variant has not been reported in the literature. This variant is reported in 0.0029% of alleles in individuals of Latino descent in gnomAD. At this time, the clinical significance of this variant is uncertain due to the absence of conclusive functional and genetic evidence.